The following is an entry in ClinVar:

NM_002334.4(LRP4):c.5698T>C (p.Ser1900Pro)

Genes: LRP4 (LDL receptor related protein 4; minus strand), LRP4-AS1 (LRP4 antisense RNA 1; plus strand). Cytogenetic location: 11p11.2.
Variant type: single nucleotide variant.
Coding change: c.5698T>C on transcript NM_002334.4 (MANE Select); coding-DNA position 5698, T replaced by C.
Protein change: p.Ser1900Pro; replaces serine 1900 with proline.
Molecular consequence: missense variant.
Genome position (GRCh38, 1-based): chr11:46,859,003, A>G on the plus strand (T>C on the coding strand, the complement: LRP4 is on the minus strand). VCF-style: chr11-46859003-A-G. GRCh37 (hg19) VCF-style: chr11-46880554-A-G.
Other names: short protein forms S1900P.
Identifiers: ClinVar variation 1987762 (VCV001987762.4), dbSNP rs1940457917, ClinGen allele CA380282922.

ClinVar aggregate classification (germline): Uncertain significance (1 of 4 stars; one submission).

Conditions:
Congenital myasthenic syndrome 17. Identifiers: Orphanet 590, MedGen C4225377, MONDO:0014578, OMIM 616304.
Cenani-Lenz syndactyly syndrome. Also called: SYNDACTYLY, TYPE VII; CENANI SYNDACTYLISM. Identifiers: Orphanet 3258, MedGen C1859309, MONDO:0008931, OMIM 212780.
Sclerosteosis 2 (SOST2). Identifiers: Orphanet 3152, MedGen C3280402, MONDO:0013679, OMIM 614305.

Submission:

Labcorp Genetics (formerly Invitae), Labcorp
Classification: Uncertain significance for Cenani-Lenz syndactyly syndrome; Sclerosteosis 2; Congenital myasthenic syndrome 17. Last evaluated: 2024-10-16. Review status: criteria provided, single submitter. Criteria: Invitae Variant Classification Sherloc (09022015). Collection method: clinical testing. Allele origin: germline.
Comment: This sequence change replaces serine, which is neutral and polar, with proline, which is neutral and non-polar, at codon 1900 of the LRP4 protein (p.Ser1900Pro). This variant is not present in population databases (gnomAD no frequency). This variant has not been reported in the literature in individuals affected with LRP4-related conditions. ClinVar contains an entry for this variant (Variation ID: 1987762). Invitae Evidence Modeling of protein sequence and biophysical properties (such as structural, functional, and spatial information, amino acid conservation, physicochemical variation, residue mobility, and thermodynamic stability) has been performed for this missense variant. However, the output from this modeling did not meet the statistical confidence thresholds required to predict the impact of this variant on LRP4 protein function. In summary, the available evidence is currently insufficient to determine the role of this variant in disease. Therefore, it has been classified as a Variant of Uncertain Significance.